The following is an entry in ClinVar:

NM_001376.5(DYNC1H1):c.2294T>C (p.Val765Ala)

Gene: DYNC1H1 (dynein cytoplasmic 1 heavy chain 1; plus strand). Cytogenetic location: 14q32.31.
Variant type: single nucleotide variant.
Coding change: c.2294T>C on transcript NM_001376.5 (MANE Select); coding-DNA position 2294, T replaced by C.
Protein change: p.Val765Ala; replaces valine 765 with alanine.
Molecular consequence: missense variant.
Genome position (GRCh38, 1-based): chr14:101,986,519, T>C. VCF-style: chr14-101986519-T-C. GRCh37 (hg19) VCF-style: chr14-102452856-T-C.
Other names: short protein forms V765A.
Identifiers: ClinVar variation 942037 (VCV000942037.13), dbSNP rs1001125376, ClinGen allele CA266980902.

ClinVar aggregate classification (germline): Uncertain significance. Review status: criteria provided, multiple submitters, no conflicts (2 of 4 stars). 3 submissions from 3 submitters: Uncertain significance (3). Last evaluated 2025-04-07.

Conditions:
Inborn genetic diseases. Identifiers: MedGen C0950123, MeSH D030342.
Charcot-Marie-Tooth disease axonal type 2O. Also called: CHARCOT-MARIE-TOOTH NEUROPATHY, AXONAL, TYPE 2O; CHARCOT-MARIE-TOOTH DISEASE, AXONAL, AUTOSOMAL DOMINANT, TYPE 2O; Charcot-Marie-Tooth Neuropathy Type 2O; Charcot-Marie-Tooth disease, axonal, type 20. Identifiers: Orphanet 284232, MedGen C3280220, MONDO:0013644, OMIM 614228.

Allele frequency attached by ClinVar (database versions not stated): gnomAD 0.00001; TOPMed 0.00003.
gnomAD v4.1: 2 of 1,614,040 alleles (0.00012%); highest among the groups gnomAD compares: Non-Finnish European, 0.00017%; no homozygotes.

Submissions (3):

Labcorp Genetics (formerly Invitae), Labcorp
Classification: Uncertain significance for Charcot-Marie-Tooth disease axonal type 2O. Last evaluated: 2025-04-07. Review status: criteria provided, single submitter. Criteria: Invitae Variant Classification Sherloc (09022015). Collection method: clinical testing. Allele origin: germline.
Comment: This sequence change replaces valine, which is neutral and non-polar, with alanine, which is neutral and non-polar, at codon 765 of the DYNC1H1 protein (p.Val765Ala). The frequency data for this variant in the population databases is considered unreliable, as metrics indicate poor data quality at this position in the gnomAD database. This variant has not been reported in the literature in individuals affected with DYNC1H1-related conditions. ClinVar contains an entry for this variant (Variation ID: 942037). Invitae Evidence Modeling of protein sequence and biophysical properties (such as structural, functional, and spatial information, amino acid conservation, physicochemical variation, residue mobility, and thermodynamic stability) indicates that this missense variant is not expected to disrupt DYNC1H1 protein function with a negative predictive value of 95%. In summary, the available evidence is currently insufficient to determine the role of this variant in disease. Therefore, it has been classified as a Variant of Uncertain Significance.

Ambry Genetics
Classification: Uncertain significance for Inborn genetic diseases. Last evaluated: 2025-01-22. Review status: criteria provided, single submitter. Criteria: Ambry Variant Classification Scheme 2023. Collection method: clinical testing. Allele origin: germline.

Baylor Genetics
Classification: Uncertain significance for Charcot-Marie-Tooth disease axonal type 2O. Last evaluated: 2019-05-03. Review status: criteria provided, single submitter. Criteria: ACMG Guidelines, 2015. Collection method: clinical testing. Allele origin: unknown. Affected: yes.
Comment: This variant was determined to be of uncertain significance according to ACMG Guidelines, 2015 [PMID:25741868].